The following is an entry in ClinVar:

NM_003265.3(TLR3):c.154A>G (p.Asn52Asp)

Gene: TLR3 (toll like receptor 3; plus strand). Cytogenetic location: 4q35.1.
Variant type: single nucleotide variant.
Coding change: c.154A>G on transcript NM_003265.3 (MANE Select); coding-DNA position 154, A replaced by G.
Protein change: p.Asn52Asp; replaces asparagine 52 with aspartic acid.
Molecular consequence: missense variant.
Genome position (GRCh38, 1-based): chr4:186,076,773, A>G. VCF-style: chr4-186076773-A-G. GRCh37 (hg19) VCF-style: chr4-186997927-A-G.
Other names: short protein forms N52D.
Identifiers: ClinVar variation 2068152 (VCV002068152.4), dbSNP rs2478210355, ClinGen allele CA359107414.
Genomic context (GRCh38, chr4:186,076,773, plus strand): 5'-CATGAAGTTGCTGACTGCAGCCACCTGAAGTTGACTCAGGTACCCGATGATCTACCCACA[A>G]ACATAACAGTGTTGAACCTTACCCATAATCAACTCAGAAGATTACCAGCCGCCAACTTCA-3'
Protein context (NP_003256.1, residues 42-62): LTQVPDDLPT[Asn52Asp]ITVLNLTHNQ

ClinVar aggregate classification (germline): Uncertain significance (1 of 4 stars; one submission).

Conditions:
Encephalopathy, acute, infection-induced (herpes-specific), susceptibility to, 1. Also called: Herpes simplex encephalitis, susceptibility to, 1. Identifiers: Orphanet 1930, MedGen C2750180, MONDO:0024563, OMIM 610551.

Allele frequency attached by ClinVar (database versions not stated): gnomAD exomes below 0.00001.
gnomAD v4.1: 1 of 1,614,100 alleles (0.000062%); highest among the groups gnomAD compares: Non-Finnish European, 0.000085%; no homozygotes.

Submission:

Labcorp Genetics (formerly Invitae), Labcorp
Classification: Uncertain significance for Encephalopathy, acute, infection-induced (herpes-specific), susceptibility to, 1. Last evaluated: 2022-01-01. Review status: criteria provided, single submitter. Criteria: Invitae Variant Classification Sherloc (09022015). Collection method: clinical testing. Allele origin: germline.
Comment: In summary, the available evidence is currently insufficient to determine the role of this variant in disease. Therefore, it has been classified as a Variant of Uncertain Significance. Algorithms developed to predict the effect of sequence changes on RNA splicing suggest that this variant may create or strengthen a splice site. Algorithms developed to predict the effect of missense changes on protein structure and function (SIFT, PolyPhen-2, Align-GVGD) all suggest that this variant is likely to be tolerated. This variant has not been reported in the literature in individuals affected with TLR3-related conditions. This variant is not present in population databases (gnomAD no frequency). This sequence change replaces asparagine, which is neutral and polar, with aspartic acid, which is acidic and polar, at codon 52 of the TLR3 protein (p.Asn52Asp).